The following is an entry in ClinVar:

ClinVar aggregate classification (germline): Uncertain significance. Review status: criteria provided, multiple submitters, no conflicts (2 of 4 stars). 2 submissions from 2 submitters: Uncertain significance (2). Last evaluated 2023-04-05.

Conditions:
Hereditary cancer-predisposing syndrome. Also called: Neoplastic Syndromes, Hereditary; Hereditary Cancer Syndrome; Hereditary neoplastic syndrome; Tumor predisposition. Identifiers: Orphanet 140162, MedGen C0027672, MeSH D009386, MONDO:0015356.
Familial adenomatous polyposis 1 (FAP1). Also called: POLYPOSIS, ADENOMATOUS INTESTINAL; FAMILIAL ADENOMATOUS POLYPOSIS 1, ATTENUATED. Identifiers: MedGen C2713442, MONDO:0021056, OMIM 175100. Disease mechanism: loss of function.

Submissions (2):

Ambry Genetics
Classification: Uncertain significance for Hereditary cancer-predisposing syndrome. Last evaluated: 2023-04-05. Review status: criteria provided, single submitter. Criteria: Ambry General Variant Classification Scheme_2022. Collection method: clinical testing. Allele origin: germline.
Comment: The p.G2610R variant (also known as c.7828G>A), located in coding exon 15 of the APC gene, results from a G to A substitution at nucleotide position 7828. The glycine at codon 2610 is replaced by arginine, an amino acid with dissimilar properties. This amino acid position is well conserved in available vertebrate species. In addition, the in silico prediction for this alteration is inconclusive. Since supporting evidence is limited at this time, the clinical significance of this alteration remains unclear.

Labcorp Genetics (formerly Invitae), Labcorp
Classification: Uncertain significance for Familial adenomatous polyposis 1. Last evaluated: 2021-11-17. Review status: criteria provided, single submitter. Criteria: Invitae Variant Classification Sherloc (09022015). Collection method: clinical testing. Allele origin: germline.
Comment: In summary, the available evidence is currently insufficient to determine the role of this variant in disease. Therefore, it has been classified as a Variant of Uncertain Significance. Algorithms developed to predict the effect of missense changes on protein structure and function (SIFT, PolyPhen-2, Align-GVGD) all suggest that this variant is likely to be disruptive. This variant has not been reported in the literature in individuals affected with APC-related conditions. This variant is not present in population databases (gnomAD no frequency). This sequence change replaces glycine, which is neutral and non-polar, with arginine, which is basic and polar, at codon 2610 of the APC protein (p.Gly2610Arg).

NM_000038.6(APC):c.7828G>A (p.Gly2610Arg)

Gene: APC (APC regulator of Wnt signaling pathway; plus strand). Cytogenetic location: 5q22.2.
Variant type: single nucleotide variant.
Coding change: c.7828G>A on transcript NM_000038.6 (MANE Select); coding-DNA position 7828, G replaced by A.
Protein change: p.Gly2610Arg; replaces glycine 2610 with arginine.
Molecular consequence: missense variant.
Genome position (GRCh38, 1-based): chr5:112,843,422, G>A. VCF-style: chr5-112843422-G-A. GRCh37 (hg19) VCF-style: chr5-112179119-G-A.
Other names: c.7828G>A (NM_000038.5); c.7828G>A, p.Gly2610Arg (NM_001127510.3, NM_001354895.2, NM_001407450.1); c.7774G>A, p.Gly2592Arg (NM_001127511.3); c.7882G>A, p.Gly2628Arg (NM_001354896.2, NM_001407447.1, NM_001407448.1 and 1 more transcripts); c.7858G>A, p.Gly2620Arg (NM_001354897.2); c.7753G>A, p.Gly2585Arg (NM_001354898.2); c.7744G>A, p.Gly2582Arg (NM_001354899.2); c.7705G>A, p.Gly2569Arg (NM_001354900.2); and 12 more; short protein forms G2327R, G2484R, G2527R, G2569R, G2600R, G2628R, G2638R, G2226R.
Identifiers: ClinVar variation 2106397 (VCV002106397.5), dbSNP rs2149994528, ClinGen allele CA16038337.